The following is an entry in ClinVar:

NM_018942.3(HMX1):c.961T>G (p.Ser321Ala)

Gene: HMX1 (H6 family homeobox 1; minus strand). Cytogenetic location: 4p16.1.
Variant type: single nucleotide variant.
Coding change: c.961T>G on transcript NM_018942.3 (MANE Select); coding-DNA position 961, T replaced by G.
Protein change: p.Ser321Ala; replaces serine 321 with alanine.
Molecular consequence: missense variant. On other transcripts: intron variant (1).
Genome position (GRCh38, 1-based): chr4:8,867,779, A>C on the plus strand (T>G on the coding strand, the complement: HMX1 is on the minus strand). VCF-style: chr4-8867779-A-C. GRCh37 (hg19) VCF-style: chr4-8869505-A-C.
Other names: c.394+3442T>G (NM_001306142.2); short protein forms S321A.
Identifiers: ClinVar variation 939037 (VCV000939037.1), dbSNP rs1722056004, ClinGen allele CA356277366.

ClinVar aggregate classification (germline): Uncertain significance (1 of 4 stars; one submission).

Submission:

Labcorp Genetics (formerly Invitae), Labcorp
Classification: Uncertain significance. Last evaluated: 2019-09-03. Review status: criteria provided, single submitter. Criteria: Invitae Variant Classification Sherloc (09022015). Collection method: clinical testing. Allele origin: germline.
Comment: This sequence change replaces serine with alanine at codon 321 of the HMX1 protein (p.Ser321Ala). The serine residue is weakly conserved and there is a moderate physicochemical difference between serine and alanine. The frequency data for this variant in the population databases is considered unreliable, as metrics indicate insufficient coverage at this position in the ExAC database. This variant has not been reported in the literature in individuals with HMX1-related conditions. Algorithms developed to predict the effect of missense changes on protein structure and function (SIFT, PolyPhen-2, Align-GVGD) all suggest that this variant is likely to be tolerated, but these predictions have not been confirmed by published functional studies and their clinical significance is uncertain. In summary, the available evidence is currently insufficient to determine the role of this variant in disease. Therefore, it has been classified as a Variant of Uncertain Significance.